The following is an entry in ClinVar:

ClinVar aggregate classification (germline): Likely benign. Review status: criteria provided, single submitter (1 of 4 stars). 2 submissions from 2 submitters: Likely benign (1). 1 of the submissions does not count toward it. Last evaluated 2018-06-13.

Conditions:
SEMA5A-related disorder. Also called: SEMA5A-related condition.

Allele frequency attached by ClinVar (database versions not stated): ESP Exome Variant Server 0.00008; gnomAD 0.00010; TOPMed 0.00012; ExAC 0.00013; gnomAD exomes 0.00013.
gnomAD v4.1: 236 of 1,590,306 alleles (0.015%); highest among the groups gnomAD compares: Non-Finnish European, 0.019%; no homozygotes.

Submissions (2):

Labcorp Genetics (formerly Invitae), Labcorp
Classification: Likely benign. Last evaluated: 2018-06-13. Review status: criteria provided, single submitter. Criteria: Invitae Variant Classification Sherloc (09022015). Collection method: clinical testing. Allele origin: germline.

PreventionGenetics, part of Exact Sciences
Classification: Likely benign for SEMA5A-related condition. Last evaluated: 2019-07-12. Review status: no assertion criteria provided. Collection method: clinical testing. Allele origin: germline. Not counted in ClinVar's aggregate classification.
Comment: This variant is classified as likely benign based on ACMG/AMP sequence variant interpretation guidelines (Richards et al. 2015 PMID: 25741868, with internal and published modifications).

NM_003966.3(SEMA5A):c.933-9C>T

Gene: SEMA5A (semaphorin 5A; minus strand). Cytogenetic location: 5p15.31.
Variant type: single nucleotide variant.
Coding change: c.933-9C>T on transcript NM_003966.3 (MANE Select); 9 bases into the intron before coding-DNA position 933, C replaced by T.
Molecular consequence: intron variant.
Genome position (GRCh38, 1-based): chr5:9,197,312, G>A on the plus strand (C>T on the coding strand, the complement: SEMA5A is on the minus strand). VCF-style: chr5-9197312-G-A. GRCh37 (hg19) VCF-style: chr5-9197424-G-A.
Identifiers: ClinVar variation 738213 (VCV000738213.5), dbSNP rs373422555, ClinGen allele CA3196959.